The following is an entry in ClinVar:

ClinVar aggregate classification (germline): Pathogenic/Likely pathogenic. Review status: criteria provided, multiple submitters, no conflicts (2 of 4 stars). 3 submissions from 3 submitters: Pathogenic (1); Likely pathogenic (1). 1 of the submissions does not count toward it. Last evaluated 2023-11-28.

Conditions:
Developmental and epileptic encephalopathy, 7 (DEE7). Also called: KCNQ2-Related Neonatal Epileptic Encephalopathy; KCNQ2-Related Neonatal-Onset Developmental and Epileptic Encephalopathy (NEO-DEE); Early infantile epileptic encephalopathy 7. Identifiers: Orphanet 439218, MedGen C3150986, MONDO:0013387, OMIM 613720.
Seizures, benign familial neonatal, 1. Also called: Benign Neonatal Epilepsy 1; KCNQ2-Related Benign Familial Neonatal Epilepsy; KCNQ2-Related Self-Limited Familial Neonatal Epilepsy (SLFNE); Seizures, benign neonatal, 1. Identifiers: Orphanet 1949, MedGen C3149074, MONDO:0007365, OMIM 121200.

Submissions (3):

3billion
Classification: Likely pathogenic for Developmental and epileptic encephalopathy, 7. Last evaluated: 2023-11-28. Review status: criteria provided, single submitter. Criteria: ACMG Guidelines, 2015. Collection method: clinical testing. Allele origin: germline. Affected: yes.
Comment: The variant is not observed in the gnomAD v2.1.1 dataset. Predicted Consequence/Location: Frameshift: predicted to result in a loss or disruption of normal protein function through protein truncation. The predicted truncated protein may be shortened by less than 10%. Functional studies provide moderate evidence of the variant having a damaging effect on the gene or gene product (PMID: 10482260, 21937445). The variant has been reported to be associated with KCNQ2 related disorder (ClinVar ID: VCV000021781 /PMID: 10482260). Therefore, this variant is classified as Likely pathogenic according to the recommendation of ACMG/AMP guideline.

GeneDx
Classification: Pathogenic. Last evaluated: 2019-03-08. Review status: criteria provided, single submitter. Criteria: GeneDx Variant Classification (06012015). Collection method: clinical testing. Allele origin: germline. Affected: yes.
Comment: The c.2597delG pathogenic variant in the KCNQ2 gene, reported as c.2513delG due to use of alternative nomenclature, has been identified in multiple individuals in a single family with benign familial neonatal seizures (Lerche et al., 1999). The deletion causes a frameshift starting with codon Glycine 866, changes this amino acid to an Alanine residue and creates a premature Stop codon at position 64 of the new reading frame, denoted p.Gly866AlafsX64. This pathogenic variant is predicted to cause loss of normal protein function either through protein truncation or nonsense-mediated mRNA decay. Functional studies suggest that c.2597delG has a damaging effect on the protein (Lerche et al., 1999; Su et al., 2011).

GeneReviews
No classification provided. Condition: Seizures, benign familial neonatal, 1. Review status: no classification provided. Collection method: literature only. Allele origin: germline. Affected: yes. Not counted in ClinVar's aggregate classification.
Comment: BFNE (benign familial neonatal epilepsy)

Functional effect: Reduction of current amplitude in homomeric and heteromeric channels

Literature cited by the submitters: PubMed 21937445 (cited by 3billion and GeneReviews); PubMed 10482260 (cited by 3billion and GeneReviews); NCBI Bookshelf NBK32534 (cited by GeneReviews).

NM_172107.4(KCNQ2):c.2597del (p.Gly866fs)

Gene: KCNQ2 (potassium voltage-gated channel subfamily Q member 2; minus strand). Cytogenetic location: 20q13.33.
Variant type: Deletion.
Coding change: c.2597del on transcript NM_172107.4 (MANE Select); coding-DNA position 2597, one base deleted (G; older notation c.2597delG).
Protein change: p.Gly866fs; shifts the reading frame from glycine 866.
Molecular consequence: frameshift variant.
Genome position (GRCh38, 1-based): chr20:63,406,666, C deleted on the plus strand (G on the coding strand, the reverse complement: KCNQ2 is on the minus strand); the first of 3 consecutive C bases (chr20:63,406,666-63,406,668); deleting any one gives the same sequence. VCF-style (leftmost placement, unchanged base first): chr20-63406665-GC-G. GRCh37 (hg19) VCF-style: chr20-62038018-GC-G.
Other names: c.2513del, p.Gly838fs (NM_004518.6); c.2543del, p.Gly848fs (NM_172106.3); c.2504del, p.Gly835fs (NM_172108.5); short protein forms G838fs, G835fs, G848fs, G866fs.
Identifiers: ClinVar variation 21781 (VCV000021781.4), dbSNP rs118192245, ClinGen allele CA342495.